The following is an entry in ClinVar:

ClinVar aggregate classification (germline): Uncertain significance (1 of 4 stars; one submission).

Conditions:
Inborn genetic diseases. Identifiers: MedGen C0950123, MeSH D030342.

gnomAD v4.1: 7 of 1,613,480 alleles (0.00043%); highest among the groups gnomAD compares: Non-Finnish European, 0.00059%; no homozygotes.

Submission:

Ambry Genetics
Classification: Uncertain significance for Inborn genetic diseases. Last evaluated: 2024-11-25. Review status: criteria provided, single submitter. Criteria: Ambry Variant Classification Scheme 2023. Collection method: clinical testing. Allele origin: germline.
Comment: The p.I151T variant (also known as c.452T>C), located in coding exon 4 of the BMPR2 gene, results from a T to C substitution at nucleotide position 452. The isoleucine at codon 151 is replaced by threonine, an amino acid with similar properties. This amino acid position is conserved. In addition, this alteration is predicted to be deleterious by in silico analysis. Based on the available evidence, the clinical significance of this variant remains unclear.

NM_001204.7(BMPR2):c.452T>C (p.Ile151Thr)

Gene: BMPR2 (bone morphogenetic protein receptor type 2; plus strand). Cytogenetic location: 2q33.2.
Variant type: single nucleotide variant.
Coding change: c.452T>C on transcript NM_001204.7 (MANE Select); coding-DNA position 452, T replaced by C.
Protein change: p.Ile151Thr; replaces isoleucine 151 with threonine.
Molecular consequence: missense variant.
Genome position (GRCh38, 1-based): chr2:202,513,752, T>C. VCF-style: chr2-202513752-T-C. GRCh37 (hg19) VCF-style: chr2-203378475-T-C.
Other names: short protein forms I151T.
Identifiers: ClinVar variation 3481296 (VCV003481296.1).